The following is an entry in ClinVar:

NM_001267550.2(TTN):c.94168G>A (p.Gly31390Ser)

Genes: TTN (titin; minus strand), TTN-AS1 (TTN antisense RNA 1; plus strand). Cytogenetic location: 2q31.2.
Variant type: single nucleotide variant.
Coding change: c.94168G>A on transcript NM_001267550.2 (MANE Select); coding-DNA position 94168, G replaced by A.
Protein change: p.Gly31390Ser; replaces glycine 31390 with serine.
Molecular consequence: missense variant.
Genome position (GRCh38, 1-based): chr2:178,547,458, C>T on the plus strand (G>A on the coding strand, the complement: TTN is on the minus strand). VCF-style: chr2-178547458-C-T. GRCh37 (hg19) VCF-style: chr2-179412185-C-T.
Other names: c.89245G>A, p.Gly29749Ser (NM_001256850.1); c.66973G>A, p.Gly22325Ser (NM_003319.4); c.86464G>A, p.Gly28822Ser (NM_133378.4); c.67348G>A, p.Gly22450Ser (NM_133432.3); c.67549G>A, p.Gly22517Ser (NM_133437.4); short protein forms G28822S, G31390S, G22325S, G22450S, G29749S, G22517S.
Identifiers: ClinVar variation 191849 (VCV000191849.1), dbSNP rs201188767, ClinGen allele CA237692.

ClinVar aggregate classification (germline): Uncertain significance (1 of 4 stars; one submission).

Allele frequency attached by ClinVar (database versions not stated): gnomAD exomes below 0.00001; TOPMed below 0.00001.
gnomAD v4.1: 4 of 1,611,472 alleles (0.00025%); highest among the groups gnomAD compares: Non-Finnish European, 0.00034%; no homozygotes.

Submission:

Biesecker Lab/Clinical Genomics Section, National Institutes of Health
Classification: Uncertain significance. Last evaluated: 2013-06-24. Review status: criteria provided, single submitter. Criteria: Ng et al. (Circ Cardiovasc Genet. 2013). Collection method: research. Allele origin: unknown. Observed: 1 variant allele. Study: ClinSeq.
Comment: The study set was not selected for affection status in relation to any cancer. Pathogenicity categories were based on literature curation. See Pubmed ID:23861362 for details.

Medical sequencing